The following is an entry in ClinVar:

ClinVar aggregate classification (germline): Likely benign. Review status: criteria provided, multiple submitters, no conflicts (2 of 4 stars). 3 submissions from 3 submitters: Likely benign (3). Last evaluated 2025-11-05.

Conditions:
Ataxia-telangiectasia syndrome (AT). Also called: Cerebello-oculocutaneous telangiectasia; Immunodeficiency with ataxia telangiectasia; Ataxia-telangiectasia, complementation group E; Ataxia-telangiectasia, complementation group D; AT, COMPLEMENTATION GROUP C; ATAXIA-TELANGIECTASIA, COMPLEMENTATION GROUP A. Identifiers: Orphanet 100, MedGen C0004135, MONDO:0008840, OMIM 208900.
Familial cancer of breast. Also called: BREAST CANCER, FAMILIAL; Hereditary breast cancer; hereditary breast carcinoma. Identifiers: Orphanet 227535, MedGen C0346153, MONDO:0016419, OMIM 114480. Disease mechanism: loss of function.

Allele frequency attached by ClinVar (database versions not stated): gnomAD 0.00001; gnomAD exomes below 0.00001; TOPMed 0.00002.
gnomAD v4.1: 3 of 1,612,248 alleles (0.00019%); highest among the groups gnomAD compares: Admixed American, 0.0017%; no homozygotes.

Submissions (3):

Labcorp Genetics (formerly Invitae), Labcorp
Classification: Likely benign for Ataxia-telangiectasia syndrome. Last evaluated: 2025-11-05. Review status: criteria provided, single submitter. Criteria: Invitae Variant Classification Sherloc (09022015). Collection method: clinical testing. Allele origin: germline.

Myriad Genetics, Inc.
Classification: Likely benign for Familial cancer of breast. Last evaluated: 2024-06-12. Review status: criteria provided, single submitter. Criteria: Myriad Autosomal Dominant, Autosomal Recessive and X-Linked Classification Criteria (2023). Collection method: clinical testing. Allele origin: unknown.
Comment: This variant is considered likely benign. This variant is intronic and is not expected to impact mRNA splicing.

GeneDx
Classification: Likely benign. Last evaluated: 2017-05-31. Review status: criteria provided, single submitter. Criteria: GeneDx Variant Classification (06012015). Collection method: clinical testing. Allele origin: germline. Affected: yes.
Comment: This variant is considered likely benign or benign based on one or more of the following criteria: it is a conservative change, it occurs at a poorly conserved position in the protein, it is predicted to be benign by multiple in silico algorithms, and/or has population frequency not consistent with disease.

NM_000051.4(ATM):c.6808-20A>G

Genes: C11orf65 (chromosome 11 open reading frame 65; minus strand), ATM (ATM serine/threonine kinase; plus strand). Cytogenetic location: 11q22.3.
Variant type: single nucleotide variant.
Coding change: c.6808-20A>G on transcript NM_000051.4 (MANE Select); 20 bases into the intron before coding-DNA position 6808, A replaced by G.
Molecular consequence: intron variant.
Genome position (GRCh38, 1-based): chr11:108,326,038, A>G. VCF-style: chr11-108326038-A-G. GRCh37 (hg19) VCF-style: chr11-108196765-A-G.
Other names: c.6808-20A>G (NM_001351834.2); c.641-16967T>C (NM_001330368.2); c.*38+9182T>C (NM_001351110.2).
Identifiers: ClinVar variation 510026 (VCV000510026.8), dbSNP rs1240565463, ClinGen allele CA658797756.